The following is an entry in ClinVar:

ClinVar aggregate classification (germline): Uncertain significance. Review status: criteria provided, multiple submitters, no conflicts (2 of 4 stars). 2 submissions from 2 submitters: Uncertain significance (2). Last evaluated 2022-08-23.

Conditions:
Microcephaly, epilepsy, and diabetes syndrome. Identifiers: Orphanet 306558, MedGen C3280240, MONDO:0100328.
Inborn genetic diseases. Identifiers: MedGen C0950123, MeSH D030342.

Allele frequency attached by ClinVar (database versions not stated): 1000 Genomes Project 0.00020; 1000 Genomes Project 30x 0.00031.
gnomAD v4.1: 7 of 1,613,922 alleles (0.00043%); highest among the groups gnomAD compares: Admixed American, 0.01%; no homozygotes.

Submissions (2):

Labcorp Genetics (formerly Invitae), Labcorp
Classification: Uncertain significance for Microcephaly, epilepsy, and diabetes syndrome. Last evaluated: 2022-08-23. Review status: criteria provided, single submitter. Criteria: Invitae Variant Classification Sherloc (09022015). Collection method: clinical testing. Allele origin: germline.
Comment: This sequence change replaces valine, which is neutral and non-polar, with leucine, which is neutral and non-polar, at codon 59 of the IER3IP1 protein (p.Val59Leu). This variant is present in population databases (rs201912542, gnomAD 0.01%). This variant has not been reported in the literature in individuals affected with IER3IP1-related conditions. ClinVar contains an entry for this variant (Variation ID: 946494). Algorithms developed to predict the effect of missense changes on protein structure and function are either unavailable or do not agree on the potential impact of this missense change (SIFT: "Deleterious"; PolyPhen-2: "Possibly Damaging"; Align-GVGD: "Class C0"). In summary, the available evidence is currently insufficient to determine the role of this variant in disease. Therefore, it has been classified as a Variant of Uncertain Significance.

Ambry Genetics
Classification: Uncertain significance for Inborn genetic diseases. Last evaluated: 2021-11-09. Review status: criteria provided, single submitter. Criteria: Ambry Variant Classification Scheme 2023. Collection method: clinical testing. Allele origin: germline.

NM_016097.5(IER3IP1):c.175G>C (p.Val59Leu)

Gene: IER3IP1 (immediate early response 3 interacting protein 1; minus strand). Cytogenetic location: 18q21.1.
Variant type: single nucleotide variant.
Coding change: c.175G>C on transcript NM_016097.5 (MANE Select); coding-DNA position 175, G replaced by C.
Protein change: p.Val59Leu; replaces valine 59 with leucine.
Molecular consequence: missense variant.
Genome position (GRCh38, 1-based): chr18:47,157,454, C>G on the plus strand (G>C on the coding strand, the complement: IER3IP1 is on the minus strand). VCF-style: chr18-47157454-C-G. GRCh37 (hg19) VCF-style: chr18-44683825-C-G.
Other names: c.175G>C (NM_016097.3); short protein forms V59L.
Identifiers: ClinVar variation 946494 (VCV000946494.6), dbSNP rs201912542, ClinGen allele CA8955710.